The following is an entry in ClinVar:

ClinVar aggregate classification (germline): Pathogenic. Review status: criteria provided, multiple submitters, no conflicts (2 of 4 stars). 3 submissions from 3 submitters: Pathogenic (3). Last evaluated 2026-03-19.

Conditions:
Arrhythmogenic right ventricular dysplasia 9 (ARVD9). Also called: Arrhythmogenic Right Ventricular Dysplasia/Cardiomyopathy 9; ARRHYTHMOGENIC RIGHT VENTRICULAR DYSPLASIA, FAMILIAL, 9. Identifiers: MedGen C1836906, MONDO:0012180, OMIM 609040.

Allele frequency attached by ClinVar (database versions not stated): gnomAD exomes below 0.00001; gnomAD 0.00001; ExAC 0.00002.
gnomAD v4.1: 2 of 1,613,916 alleles (0.00012%); highest among the groups gnomAD compares: Admixed American, 0.0033%; no homozygotes.

Submissions (3):

GeneDx
Classification: Pathogenic. Last evaluated: 2026-03-19. Review status: criteria provided, single submitter. Criteria: GeneDx Variant Classification Process June 2021. Collection method: clinical testing. Allele origin: germline.
Comment: Nonsense variant predicted to result in protein truncation or nonsense mediated decay in a gene for which loss of function is a known mechanism of disease; Not observed at significant frequency in large population cohorts (gnomAD); This variant is associated with the following publications: (PMID: 36556128)

Mayo Clinic Laboratories, Mayo Clinic
Classification: Pathogenic. Last evaluated: 2025-06-12. Review status: criteria provided, single submitter. Criteria: ACMG Guidelines, 2015. Collection method: clinical testing. Allele origin: germline. Observed: 1 variant allele.
Comment: PM2_supporting, PS4_supporting, PVS1

Labcorp Genetics (formerly Invitae), Labcorp
Classification: Pathogenic for Arrhythmogenic right ventricular dysplasia 9. Last evaluated: 2023-11-11. Review status: criteria provided, single submitter. Criteria: Invitae Variant Classification Sherloc (09022015). Collection method: clinical testing. Allele origin: germline.
Comment: This sequence change creates a premature translational stop signal (p.Gln270*) in the PKP2 gene. It is expected to result in an absent or disrupted protein product. Loss-of-function variants in PKP2 are known to be pathogenic (PMID: 15489853, 23911551). This variant is present in population databases (rs752060568, gnomAD 0.006%). This variant has not been reported in the literature in individuals affected with PKP2-related conditions. Algorithms developed to predict the effect of sequence changes on RNA splicing suggest that this variant may create or strengthen a splice site. For these reasons, this variant has been classified as Pathogenic.

Literature cited by the submitters: PubMed 36556128 (cited by Mayo Clinic Laboratories, Mayo Clinic); PubMed 15489853 (cited by Labcorp Genetics (formerly Invitae), Labcorp); PubMed 23911551 (cited by Labcorp Genetics (formerly Invitae), Labcorp).

NM_001005242.3(PKP2):c.808C>T (p.Gln270Ter)

Gene: PKP2 (plakophilin 2; minus strand). Cytogenetic location: 12p11.21.
Variant type: single nucleotide variant.
Coding change: c.808C>T on transcript NM_001005242.3 (MANE Select); coding-DNA position 808, C replaced by T.
Protein change: p.Gln270Ter; replaces glutamine 270 with a stop codon.
Molecular consequence: nonsense.
Genome position (GRCh38, 1-based): chr12:32,878,072, G>A on the plus strand (C>T on the coding strand, the complement: PKP2 is on the minus strand). VCF-style: chr12-32878072-G-A. GRCh37 (hg19) VCF-style: chr12-33031006-G-A.
Other names: p.Gln270*; c.808C>T, p.Gln270Ter (NM_001407155.1, NM_001407156.1, NM_001407157.1 and 2 more transcripts); c.481C>T, p.Gln161Ter (NM_001407158.1, NM_001407159.1, NM_001407160.1 and 1 more transcripts); short protein forms Q270*, Q161*.
Identifiers: ClinVar variation 3008483 (VCV003008483.6), dbSNP rs752060568, ClinGen allele CA038902.